The following is an entry in ClinVar:

NM_021096.4(CACNA1I):c.3230A>G (p.His1077Arg)

Gene: CACNA1I (calcium voltage-gated channel subunit alpha1 I; plus strand). Cytogenetic location: 22q13.1.
Variant type: single nucleotide variant.
Coding change: c.3230A>G on transcript NM_021096.4 (MANE Select); coding-DNA position 3230, A replaced by G.
Protein change: p.His1077Arg; replaces histidine 1077 with arginine.
Molecular consequence: missense variant.
Genome position (GRCh38, 1-based): chr22:39,662,293, A>G. VCF-style: chr22-39662293-A-G. GRCh37 (hg19) VCF-style: chr22-40058298-A-G.
Other names: c.3125A>G, p.His1042Arg (NM_001003406.2); short protein forms H1042R, H1077R.
Identifiers: ClinVar variation 3372615 (VCV003372615.1).

ClinVar aggregate classification (germline): Uncertain significance (1 of 4 stars; one submission).

Submission:

GeneDx
Classification: Uncertain significance. Last evaluated: 2024-04-15. Review status: criteria provided, single submitter. Criteria: GeneDx Variant Classification Process June 2021. Collection method: clinical testing. Allele origin: germline. Affected: yes.
Comment: Not observed at significant frequency in large population cohorts (gnomAD); In silico analysis supports that this missense variant has a deleterious effect on protein structure/function; Has not been previously published as pathogenic or benign to our knowledge